The following is an entry in ClinVar:

ClinVar aggregate classification (germline): Uncertain significance (1 of 4 stars; one submission).

Conditions:
Hypertrophic cardiomyopathy. Also called: HYPERTROPHIC MYOCARDIOPATHY. Identifiers: Orphanet 217569, MedGen C0007194, MeSH D002312, MONDO:0005045, HP:0001639.

Submission:

Labcorp Genetics (formerly Invitae), Labcorp
Classification: Uncertain significance for Hypertrophic cardiomyopathy. Last evaluated: 2025-08-10. Review status: criteria provided, single submitter. Criteria: Invitae Variant Classification Sherloc (09022015). Collection method: clinical testing. Allele origin: germline.
Comment: This sequence change replaces alanine, which is neutral and non-polar, with threonine, which is neutral and polar, at codon 950 of the MYBPC3 protein (p.Ala950Thr). This variant is not present in population databases (gnomAD no frequency). This variant has not been reported in the literature in individuals affected with MYBPC3-related conditions. An algorithm developed to predict the effect of missense changes on protein structure and function (PolyPhen-2) suggests that this variant is likely to be disruptive. In summary, the available evidence is currently insufficient to determine the role of this variant in disease. Therefore, it has been classified as a Variant of Uncertain Significance.

NM_000256.3(MYBPC3):c.2848G>A (p.Ala950Thr)

Gene: MYBPC3 (myosin binding protein C3; minus strand). Cytogenetic location: 11p11.2.
Variant type: single nucleotide variant.
Coding change: c.2848G>A on transcript NM_000256.3 (MANE Select); coding-DNA position 2848, G replaced by A.
Protein change: p.Ala950Thr; replaces alanine 950 with threonine.
Molecular consequence: missense variant.
Genome position (GRCh38, 1-based): chr11:47,335,099, C>T on the plus strand (G>A on the coding strand, the complement: MYBPC3 is on the minus strand). VCF-style: chr11-47335099-C-T. GRCh37 (hg19) VCF-style: chr11-47356650-C-T.
Other names: short protein forms A950T.
Identifiers: ClinVar variation 4725121 (VCV004725121.1).
Genomic context (GRCh38, chr11:47,335,099, plus strand): 5'-CACGCAGGATCTCCTGCACTGTCACCGGCTCCGTGGTGGTAACAGGGGCTCCAGGCCCTG[C>T]CATATTGTGTGCCCGCACTCGGAAAAGCAGCCGGGCCCCCGTGGGCAGGTCCTTCACCAG-3'
Protein context (NP_000247.2, residues 940-960): LLFRVRAHNM[Ala950Thr]GPGAPVTTTE